The following is an entry in ClinVar:

NM_000262.3(NAGA):c.985C>T (p.Arg329Trp)

Gene: NAGA (alpha-N-acetylgalactosaminidase; minus strand). Cytogenetic location: 22q13.2.
Variant type: single nucleotide variant.
Coding change: c.985C>T on transcript NM_000262.3 (MANE Select); coding-DNA position 985, C replaced by T.
Protein change: p.Arg329Trp; replaces arginine 329 with tryptophan.
Molecular consequence: missense variant.
Genome position (GRCh38, 1-based): chr22:42,061,040, G>A on the plus strand (C>T on the coding strand, the complement: NAGA is on the minus strand). VCF-style: chr22-42061040-G-A. GRCh37 (hg19) VCF-style: chr22-42457044-G-A.
Other names: c.985C>T, p.Arg329Trp (NM_001362848.1, NM_001362850.1); short protein forms R329W.
Identifiers: ClinVar variation 18163 (VCV000018163.2), dbSNP rs121434530, ClinGen allele CA127849.

ClinVar aggregate classification (germline): Likely pathogenic. Review status: criteria provided, single submitter (1 of 4 stars). 2 submissions from 2 submitters: Likely pathogenic (1). 1 of the submissions does not count toward it. Last evaluated 2024-08-14.

Conditions:
Alpha-N-acetylgalactosaminidase deficiency. Identifiers: Orphanet 3137, MedGen C5848084, MONDO:0017779.
Alpha-N-acetylgalactosaminidase deficiency type 2. Also called: NAGA DEFICIENCY, TYPE II; ALPHA-N-ACETYLGALACTOSAMINIDASE DEFICIENCY, TYPE II; SCHINDLER DISEASE, TYPE II. Identifiers: Orphanet 3137, Orphanet 79280, MedGen C1836522, MONDO:0012222, OMIM 609242.

Allele frequency attached by ClinVar (database versions not stated): gnomAD exomes below 0.00001.
gnomAD v4.1: 10 of 1,614,164 alleles (0.00062%); highest among the groups gnomAD compares: East Asian, 0.0045%; no homozygotes.

Submissions (2):

Women's Health and Genetics/Laboratory Corporation of America, LabCorp
Classification: Likely pathogenic for Alpha-N-acetylgalactosaminidase deficiency. Last evaluated: 2024-08-14. Review status: criteria provided, single submitter. Criteria: LabCorp Variant Classification Summary - May 2015. Collection method: clinical testing. Allele origin: germline.
Comment: Variant summary: NAGA c.985C>T (p.Arg329Trp) results in a non-conservative amino acid change located in the Alpha galactosidase A, C-terminal beta-sandwich domain (IPR035373) of the encoded protein sequence. Five of five in-silico tools predict a damaging effect of the variant on protein function. The variant allele was found at a frequency of 4e-06 in 251396 control chromosomes. c.985C>T has been reported in the literature in a homozygous individual affected with N-acetylgalactosaminidase alpha deficiency (example: Wang_1994). These data indicate that the variant may be associated with disease. At least one publication reports experimental evidence evaluating an impact on protein function. The most pronounced variant effect results in <10% of normal activity (Wang_1994). The following publication has been ascertained in the context of this evaluation (PMID: 8040340). ClinVar contains an entry for this variant (Variation ID: 18163). Based on the evidence outlined above, the variant was classified as likely pathogenic.

OMIM
Classification: Pathogenic for KANZAKI DISEASE. Last evaluated: 1994-08-01. Review status: no assertion criteria provided. Collection method: literature only. Allele origin: germline. Not counted in ClinVar's aggregate classification.

Literature cited by the submitters: PubMed 8040340 (cited by Women's Health and Genetics/Laboratory Corporation of America, LabCorp and OMIM); PubMed 2564952 (cited by OMIM); Wang, A. M., Schindler, D., Kanzaki, T., Desnick, R. J. Alpha-N-acetylgalactosaminidase gene: homology with human alpha-galactosidase A, and identification and confirmation of the mutations causing type I and II Schindler disease. (Abstract) Am. J. Hum. Genet. 47 (suppl.): A169-only, 1990. (cited by OMIM).